The following is an entry in ClinVar:

NM_152564.5(VPS13B):c.5436T>G (p.Phe1812Leu)

Gene: VPS13B (vacuolar protein sorting 13 homolog B; plus strand). Cytogenetic location: 8q22.2.
Variant type: single nucleotide variant.
Coding change: c.5436T>G on transcript NM_152564.5 (MANE Select); coding-DNA position 5436, T replaced by G.
Protein change: p.Phe1812Leu; replaces phenylalanine 1812 with leucine.
Molecular consequence: missense variant.
Genome position (GRCh38, 1-based): chr8:99,642,026, T>G. VCF-style: chr8-99642026-T-G. GRCh37 (hg19) VCF-style: chr8-100654254-T-G.
Other names: c.5436T>G (NM_152564.4); c.5511T>G, p.Phe1837Leu (NM_017890.5); short protein forms F1812L, F1837L.
Identifiers: ClinVar variation 1315327 (VCV001315327.6), dbSNP rs2133931748, ClinGen allele CA371872546.

ClinVar aggregate classification (germline): Uncertain significance. Review status: criteria provided, multiple submitters, no conflicts (2 of 4 stars). 3 submissions from 3 submitters: Uncertain significance (3). Last evaluated 2026-08-25.

Conditions:
Cohen syndrome (COH1). Also called: PEPPER SYNDROME; Cutis verticis gyrata, retinitis pigmentosa, and sensorineural deafness. Identifiers: Orphanet 193, MedGen C0265223, MONDO:0008999, OMIM 216550.
VPS13B-related disorder. Also called: VPS13B-related condition.

gnomAD v4.1: 1 of 1,614,098 alleles (0.000062%); highest among the groups gnomAD compares: Non-Finnish European, 0.000085%; no homozygotes.

Submissions (3):

PreventionGenetics, part of Exact Sciences
Classification: Uncertain significance for VPS13B-related condition. Last evaluated: 2026-08-25. Review status: criteria provided, single submitter. Criteria: ACMG Guidelines, 2015. Collection method: clinical testing. Allele origin: germline.
Comment: The VPS13B c.5436T>G variant is predicted to result in the amino acid substitution p.Phe1812Leu. To our knowledge, this variant has not been reported in the literature or in a large population database (gnomAD), indicating this variant is rare. At this time, the clinical significance of this variant is uncertain due to the absence of conclusive functional and genetic evidence.

Labcorp Genetics (formerly Invitae), Labcorp
Classification: Uncertain significance for Cohen syndrome. Last evaluated: 2023-06-16. Review status: criteria provided, single submitter. Criteria: Invitae Variant Classification Sherloc (09022015). Collection method: clinical testing. Allele origin: germline.
Comment: In summary, the available evidence is currently insufficient to determine the role of this variant in disease. Therefore, it has been classified as a Variant of Uncertain Significance. Advanced modeling of protein sequence and biophysical properties (such as structural, functional, and spatial information, amino acid conservation, physicochemical variation, residue mobility, and thermodynamic stability) performed at Invitae indicates that this missense variant is expected to disrupt VPS13B protein function. ClinVar contains an entry for this variant (Variation ID: 1315327). This variant has not been reported in the literature in individuals affected with VPS13B-related conditions. This variant is not present in population databases (gnomAD no frequency). This sequence change replaces phenylalanine, which is neutral and non-polar, with leucine, which is neutral and non-polar, at codon 1837 of the VPS13B protein (p.Phe1837Leu).

GeneDx
Classification: Uncertain significance. Last evaluated: 2020-02-12. Review status: criteria provided, single submitter. Criteria: GeneDx Variant Classification Process June 2021. Collection method: clinical testing. Allele origin: germline. Affected: yes.
Comment: Not observed in large population cohorts (Lek et al., 2016); In silico analysis supports that this missense variant has a deleterious effect on protein structure/function; Has not been previously published as pathogenic or benign to our knowledge